The following is an entry in ClinVar:

ClinVar aggregate classification (germline): Uncertain significance (1 of 4 stars; one submission).

Submission:

GeneDx
Classification: Uncertain significance. Last evaluated: 2024-08-30. Review status: criteria provided, single submitter. Criteria: GeneDx Variant Classification Process June 2021. Collection method: clinical testing. Allele origin: germline. Affected: yes.
Comment: Not observed at significant frequency in large population cohorts (gnomAD); In silico analysis indicates that this missense variant does not alter protein structure/function; Has not been previously published as pathogenic or benign to our knowledge

NM_004667.6(HERC2):c.8632C>G (p.Leu2878Val)

Gene: HERC2 (HECT and RLD domain containing E3 ubiquitin protein ligase 2; minus strand). Cytogenetic location: 15q13.1.
Variant type: single nucleotide variant.
Coding change: c.8632C>G on transcript NM_004667.6 (MANE Select); coding-DNA position 8632, C replaced by G.
Protein change: p.Leu2878Val; replaces leucine 2878 with valine.
Molecular consequence: missense variant.
Genome position (GRCh38, 1-based): chr15:28,190,982, G>C on the plus strand (C>G on the coding strand, the complement: HERC2 is on the minus strand). VCF-style: chr15-28190982-G-C. GRCh37 (hg19) VCF-style: chr15-28436128-G-C.
Other names: short protein forms L2878V.
Identifiers: ClinVar variation 3766317 (VCV003766317.1).
Genomic context (GRCh38, chr15:28,190,982, plus strand): 5'-CATCTGTAAATCATCCAAATGGAACACTAGCATAGCTACTTACCTCTGTGCAGTCATTCA[G>C]AAGGGGCACTGTGGTGTCAGAAGGGTTAATATTGATTGTCTTTAGTTCAATAAGGTTATT-3'
Protein context (NP_004658.3, residues 2868-2888): INPSDTTVPL[Leu2878Val]NDCTEYHRYI